The following is an entry in ClinVar:

NM_080680.3(COL11A2):c.2624A>T (p.Glu875Val)

Gene: COL11A2 (collagen type XI alpha 2 chain; minus strand). Cytogenetic location: 6p21.32.
Variant type: single nucleotide variant.
Coding change: c.2624A>T on transcript NM_080680.3 (MANE Select); coding-DNA position 2624, A replaced by T.
Protein change: p.Glu875Val; replaces glutamic acid 875 with valine.
Molecular consequence: missense variant.
Genome position (GRCh38, 1-based): chr6:33,173,705, T>A on the plus strand (A>T on the coding strand, the complement: COL11A2 is on the minus strand). VCF-style: chr6-33173705-T-A. GRCh37 (hg19) VCF-style: chr6-33141482-T-A.
Other names: c.2303A>T, p.Glu768Val (NM_080679.3); c.2366A>T, p.Glu789Val (NM_080681.3); short protein forms E768V, E789V, E875V.
Identifiers: ClinVar variation 1305222 (VCV001305222.3), dbSNP rs2150557458, ClinGen allele CA363642336.
Genomic context (GRCh38, chr6:33,173,705, plus strand): 5'-GCTCACCCAGGCTCCCTGGGGACCTCAGGGGAAGGGGACTTTCGATCCACACTCACCCTC[T>A]CTCCAGGGGGCCCATGGGGGCCATCACCACCAGATGTTCCCTGTGGGGGGAAACAGAGTC-3'
Protein context (NP_542411.2, residues 865-885): GGDGPHGPPG[Glu875Val]RGLPGPQGPN

ClinVar aggregate classification (germline): Uncertain significance. Review status: criteria provided, multiple submitters, no conflicts (2 of 4 stars). 2 submissions from 2 submitters: Uncertain significance (2). Last evaluated 2020-01-02.

Submissions (2):

Blueprint Genetics
Classification: Uncertain significance. Last evaluated: 2020-01-02. Review status: criteria provided, single submitter. Criteria: ACMG Guidelines, 2015. Collection method: clinical testing. Allele origin: germline.

GeneDx
Classification: Uncertain significance. Last evaluated: 2019-04-17. Review status: criteria provided, single submitter. Criteria: GeneDx Variant Classification Process June 2021. Collection method: clinical testing. Allele origin: germline. Affected: yes.
Comment: Has not been previously published as pathogenic or benign to our knowledge; In silico analysis, which includes protein predictors and evolutionary conservation, supports a deleterious effect; Not observed in large population cohorts (Lek et al., 2016)